The following is an entry in ClinVar:

NM_144672.4(OTOA):c.2929del (p.Ala977fs)

Gene: OTOA (otoancorin). Cytogenetic location: 16p12.2.
Variant type: Deletion.
Coding change: c.2929del on transcript NM_144672.4 (MANE Select); coding-DNA position 2929, one base deleted.
Protein change: p.Ala977fs; shifts the reading frame from alanine 977.
Molecular consequence: frameshift variant.
Genome position: GRCh38 VCF-style: chr16-21752377-TG-T. GRCh37 (hg19) VCF-style: chr16-21763698-TG-T.
Other names: c.2692del, p.Ala898fs (NM_001161683.2); c.1957del, p.Ala653fs (NM_170664.3); short protein forms A653fs, A898fs, A977fs.
Identifiers: ClinVar variation 4880618 (VCV004880618.2).

ClinVar aggregate classification (germline): Likely pathogenic (1 of 4 stars; one submission).

Submission:

Dasa
Classification: Likely pathogenic. Last evaluated: 2025-08-09. Review status: criteria provided, single submitter. Criteria: DASA Assertion Criteria. Collection method: clinical testing. Allele origin: germline.
Comment: NM_144672.4(OTOA):c.2929del (p.Ala977Profs*13) is a frameshift variant in OTOA predicted to alter the reading frame and introduce a premature termination codon and is predicted to result in an absent or altered protein product. Loss of function is an established disease mechanism for OTOA-associated disorders. Also, this variant is absent from population databases. Based on the currently available evidence, this variant is classified as likely pathogenic.